The following is an entry in ClinVar:

NM_006767.4(LZTR1):c.1214del (p.Gly405fs)

Gene: LZTR1 (leucine zipper like post translational regulator 1; plus strand). Cytogenetic location: 22q11.21.
Variant type: Deletion.
Coding change: c.1214del on transcript NM_006767.4 (MANE Select); coding-DNA position 1214, one base deleted (G; older notation c.1214delG).
Protein change: p.Gly405fs; shifts the reading frame from glycine 405.
Molecular consequence: frameshift variant.
Genome position (GRCh38, 1-based): chr22:20,992,858, G deleted; the last of 5 consecutive G bases (chr22:20,992,854-20,992,858); deleting any one gives the same sequence. VCF-style (leftmost placement, unchanged base first): chr22-20992853-CG-C. GRCh37 (hg19) VCF-style: chr22-21347142-CG-C.
Other names: short protein forms G405fs.
Identifiers: ClinVar variation 1751193 (VCV001751193.8), dbSNP rs757749973, ClinGen allele CA10118763.

ClinVar aggregate classification (germline): Pathogenic/Likely pathogenic. Review status: criteria provided, multiple submitters, no conflicts (2 of 4 stars). 4 submissions from 4 submitters: Pathogenic (2); Likely pathogenic (2). Last evaluated 2025-08-25.

Conditions:
Cardiovascular phenotype. Identifiers: MedGen CN230736.
Hereditary cancer-predisposing syndrome. Also called: Hereditary Cancer Syndrome; Hereditary neoplastic syndrome; Neoplastic Syndromes, Hereditary; Tumor predisposition. Identifiers: Orphanet 140162, MedGen C0027672, MeSH D009386, MONDO:0015356.
LZTR1-related disorder. Also called: LZTR1-related disorders; LZTR1-related condition.
LZTR1-related schwannomatosis. Also called: Schwannomatosis 2; Schwannomatosis-2, susceptibility to. Identifiers: Orphanet 93921, MedGen C3810283, MONDO:0014299, OMIM 615670.

Submissions (4):

Labcorp Genetics (formerly Invitae), Labcorp
Classification: Pathogenic. Last evaluated: 2025-08-25. Review status: criteria provided, single submitter. Criteria: Invitae Variant Classification Sherloc (09022015). Collection method: clinical testing. Allele origin: germline.
Comment: This sequence change creates a premature translational stop signal (p.Gly405Alafs*56) in the LZTR1 gene. It is expected to result in an absent or disrupted protein product. Loss-of-function variants in LZTR1 are known to be pathogenic (PMID: 24362817, 25335493, 25480913, 25795793, 29469822, 30368668, 30442762, 30442766, 30481304, 30859559). This variant is not present in population databases (gnomAD no frequency). This variant has not been reported in the literature in individuals affected with LZTR1-related conditions. ClinVar contains an entry for this variant (Variation ID: 1751193). For these reasons, this variant has been classified as Pathogenic.

Ambry Genetics
Classification: Pathogenic for Cardiovascular phenotype; Hereditary cancer-predisposing syndrome. Last evaluated: 2025-07-17. Review status: criteria provided, single submitter. Criteria: Ambry Variant Classification Scheme 2023. Collection method: clinical testing. Allele origin: germline.
Comment: The c.1214delG pathogenic mutation, located in coding exon 11 of the LZTR1 gene, results from a deletion of one nucleotide at nucleotide position 1214, causing a translational frameshift with a predicted alternate stop codon (p.G405Afs*56). This alteration is expected to result in loss of function by premature protein truncation or nonsense-mediated mRNA decay. Loss-of-function variants in LZTR1 are related to an increased risk for schwannomas and autosomal recessive Noonan syndrome; however, such associations with autosomal dominant Noonan syndrome have not been observed (Piotrowski A et al. Nat Genet. 2014 Feb;46:182-7; Yamamoto GL et al. J Med Genet. 2015 Jun;52:413-21; Johnston JJ et al. Genet Med. 2018 10;20:1175-1185). Based on the supporting evidence, this variant is pathogenic for an increased risk of LZTR1-related schwannomatosis (SWN) and would be expected to cause autosomal recessive Noonan syndrome when present along with a second pathogenic or likely pathogenic variant on the other allele; however, the association of this alteration with autosomal dominant Noonan syndrome is unlikely.

Baylor Genetics
Classification: Likely pathogenic for LZTR1-related schwannomatosis. Last evaluated: 2024-02-26. Review status: criteria provided, single submitter. Criteria: ACMG Guidelines, 2015. Collection method: clinical testing. Allele origin: unknown.

Blueprint Genetics
Classification: Likely pathogenic for LZTR1-related disorders. Last evaluated: 2022-08-01. Review status: criteria provided, single submitter. Criteria: ACMG Guidelines, 2015. Collection method: clinical testing. Allele origin: germline. Affected: yes. Observed: 1 variant allele.

Literature cited by the submitters: PubMed 24362817 (cited by Labcorp Genetics (formerly Invitae), Labcorp); PubMed 25335493 (cited by Labcorp Genetics (formerly Invitae), Labcorp); PubMed 25480913 (cited by Labcorp Genetics (formerly Invitae), Labcorp); PubMed 25795793 (cited by Labcorp Genetics (formerly Invitae), Labcorp); PubMed 29469822 (cited by Labcorp Genetics (formerly Invitae), Labcorp); PubMed 30368668 (cited by Labcorp Genetics (formerly Invitae), Labcorp); PubMed 30442762 (cited by Labcorp Genetics (formerly Invitae), Labcorp); PubMed 30442766 (cited by Labcorp Genetics (formerly Invitae), Labcorp); PubMed 30481304 (cited by Labcorp Genetics (formerly Invitae), Labcorp); PubMed 30859559 (cited by Labcorp Genetics (formerly Invitae), Labcorp).